The following is an entry in ClinVar:

ClinVar aggregate classification (germline): Likely benign. Review status: criteria provided, multiple submitters, no conflicts (2 of 4 stars). 2 submissions from 2 submitters: Likely benign (2). Last evaluated 2026-05-12.

Conditions:
Neurofibromatosis, type 1 (NF1). Also called: VON RECKLINGHAUSEN DISEASE; NEUROFIBROMATOSIS, TYPE I, SOMATIC; Neurofibromatosis, type I; Peripheral type neurofibromatosis. Identifiers: Orphanet 636, MedGen C0027831, MONDO:0018975, OMIM 162200. Disease mechanism: loss of function.

Submissions (2):

Myriad Genetics, Inc.
Classification: Likely benign for Neurofibromatosis, type 1. Last evaluated: 2026-05-12. Review status: criteria provided, single submitter. Criteria: Myriad Autosomal Dominant, Autosomal Recessive and X-Linked Classification Criteria (2023). Collection method: clinical testing. Allele origin: unknown.
Comment: This variant is considered likely benign. This variant is intronic and is not expected to impact mRNA splicing.

Labcorp Genetics (formerly Invitae), Labcorp
Classification: Likely benign for Neurofibromatosis, type 1. Last evaluated: 2025-04-28. Review status: criteria provided, single submitter. Criteria: Invitae Variant Classification Sherloc (09022015). Collection method: clinical testing. Allele origin: germline.

NM_001042492.3(NF1):c.2991-14C>T

Gene: NF1 (neurofibromin 1; plus strand). Cytogenetic location: 17q11.2.
Variant type: single nucleotide variant.
Coding change: c.2991-14C>T on transcript NM_001042492.3 (MANE Select); 14 bases into the intron before coding-DNA position 2991, C replaced by T.
Molecular consequence: intron variant.
Genome position (GRCh38, 1-based): chr17:31,230,246, C>T. VCF-style: chr17-31230246-C-T. GRCh37 (hg19) VCF-style: chr17-29557264-C-T.
Other names: c.2991-14C>T (NM_000267.4).
Identifiers: ClinVar variation 1628623 (VCV001628623.9), dbSNP rs2067089474, ClinGen allele CA2255566778.